The following is an entry in ClinVar:

ClinVar aggregate classification (germline): Likely benign (1 of 4 stars; one submission).

Conditions:
Malignant hyperthermia, susceptibility to, 1 (MHS1). Also called: Anesthesia related hyperthermia; Malignant hyperpyrexia; Fulminating hyperpyrexia; Pharmacogenic myopathy; Malignant hyperthermia suceptibility 1; RYR1-Related Malignant Hyperthermia Susceptibility. Identifiers: Orphanet 423, MedGen C2930980, MONDO:0007783, OMIM 145600.

Submission:

All of Us Research Program, National Institutes of Health
Classification: Likely benign for Malignant hyperthermia, susceptibility to, 1. Last evaluated: 2024-08-13. Review status: criteria provided, single submitter. Criteria: ACMG Guidelines, 2015. Collection method: clinical testing. Allele origin: germline. Inheritance: Autosomal dominant inheritance. Observed: 1 variant allele, 1 heterozygote.
Comment: This study involves interpretation of variants in research participants for the purpose of population health screening. Participant phenotype was not available at the time of variant classification. Additional details can be found in publication PMID: 35346344, PMCID: PMC8962531

NM_000540.3(RYR1):c.11952A>C (p.Leu3984=)

Gene: RYR1 (ryanodine receptor 1; plus strand). Cytogenetic location: 19q13.2.
Variant type: single nucleotide variant.
Coding change: c.11952A>C on transcript NM_000540.3 (MANE Select); coding-DNA position 11952, A replaced by C.
Protein change: p.Leu3984=; no amino-acid change (leucine 3984 retained).
Molecular consequence: synonymous variant.
Genome position (GRCh38, 1-based): chr19:38,543,815, A>C. VCF-style: chr19-38543815-A-C. GRCh37 (hg19) VCF-style: chr19-39034455-A-C.
Other names: c.11937A>C, p.Leu3979= (NM_001042723.2).
Identifiers: ClinVar variation 3385571 (VCV003385571.1).